The following is an entry in ClinVar:

ClinVar aggregate classification (germline): Uncertain significance. Review status: criteria provided, multiple submitters, no conflicts (2 of 4 stars). 2 submissions from 2 submitters: Uncertain significance (2). Last evaluated 2026-01-05.

Conditions:
Familial cold autoinflammatory syndrome 3 (FCAS3). Also called: ANTIBODY DEFICIENCY AND IMMUNE DYSREGULATION, PLCG2-ASSOCIATED; FAMILIAL ATYPICAL COLD URTICARIA. Identifiers: Orphanet 300359, MedGen C3280914, MONDO:0013766, OMIM 614468.
Autoinflammation-PLCG2-associated antibody deficiency-immune dysregulation. Also called: Autoinflammation, antibody deficiency, and immune dysregulation, plcg2-associated; AUTOINFLAMMATION, ANTIBODY DEFICIENCY, AND IMMUNE DYSREGULATION; Autoinflammation, antibody deficiency, and immune dysregulation syndrome. Identifiers: Orphanet 324530, MedGen C3553961, MONDO:0013944, OMIM 614878.

Allele frequency attached by ClinVar (database versions not stated): ExAC 0.00005; TOPMed 0.00005; gnomAD exomes 0.00006 and 0.00008; ESP Exome Variant Server 0.00016.

Submissions (2):

Labcorp Genetics (formerly Invitae), Labcorp
Classification: Uncertain significance for Familial cold autoinflammatory syndrome 3. Last evaluated: 2026-01-05. Review status: criteria provided, single submitter. Criteria: Invitae Variant Classification Sherloc (09022015). Collection method: clinical testing. Allele origin: germline.
Comment: This sequence change replaces leucine, which is neutral and non-polar, with phenylalanine, which is neutral and non-polar, at codon 163 of the PLCG2 protein (p.Leu163Phe). This variant is present in population databases (rs375598204, gnomAD 0.01%). This variant has not been reported in the literature in individuals affected with PLCG2-related conditions. ClinVar contains an entry for this variant (Variation ID: 1505323). An algorithm developed to predict the effect of missense changes on protein structure and function outputs the following: PolyPhen-2: "Benign". The phenylalanine amino acid residue is found in multiple mammalian species, which suggests that this missense change does not adversely affect protein function. In summary, the available evidence is currently insufficient to determine the role of this variant in disease. Therefore, it has been classified as a Variant of Uncertain Significance.

Fulgent Genetics
Classification: Uncertain significance for Familial cold autoinflammatory syndrome 3; Autoinflammation-PLCG2-associated antibody deficiency-immune dysregulation. Last evaluated: 2021-11-19. Review status: criteria provided, single submitter. Criteria: ACMG Guidelines, 2015. Collection method: clinical testing. Allele origin: unknown.

NM_002661.5(PLCG2):c.487C>T (p.Leu163Phe)

Gene: PLCG2 (phospholipase C gamma 2; plus strand). Cytogenetic location: 16q23.3.
Variant type: single nucleotide variant.
Coding change: c.487C>T on transcript NM_002661.5 (MANE Select); coding-DNA position 487, C replaced by T.
Protein change: p.Leu163Phe; replaces leucine 163 with phenylalanine.
Molecular consequence: missense variant.
Genome position (GRCh38, 1-based): chr16:81,869,221, C>T. VCF-style: chr16-81869221-C-T. GRCh37 (hg19) VCF-style: chr16-81902826-C-T.
Other names: short protein forms L163F.
Identifiers: ClinVar variation 1505323 (VCV001505323.7), dbSNP rs375598204, ClinGen allele CA8193247.